The following is an entry in ClinVar:

ClinVar aggregate classification (germline): Uncertain significance (1 of 4 stars; one submission).

Conditions:
Cardiovascular phenotype. Identifiers: MedGen CN230736.

Allele frequency attached by ClinVar (database versions not stated): TOPMed below 0.00001; gnomAD 0.00001; gnomAD exomes 0.00001.
gnomAD v4.1: 5 of 1,613,862 alleles (0.00031%); highest among the groups gnomAD compares: Non-Finnish European, 0.00042%; no homozygotes.

Submission:

Ambry Genetics
Classification: Uncertain significance for Cardiovascular phenotype. Last evaluated: 2020-03-20. Review status: criteria provided, single submitter. Criteria: Ambry Variant Classification Scheme 2023. Collection method: clinical testing. Allele origin: germline.
Comment: The p.P364S variant (also known as c.1090C>T), located in coding exon 11 of the EYA4 gene, results from a C to T substitution at nucleotide position 1090. The proline at codon 364 is replaced by serine, an amino acid with similar properties. This amino acid position is highly conserved in available vertebrate species. In addition, the in silico prediction for this alteration is inconclusive. Since supporting evidence is limited at this time, the clinical significance of this alteration remains unclear.

NM_004100.5(EYA4):c.1090C>T (p.Pro364Ser)

Gene: EYA4 (EYA transcriptional coactivator and phosphatase 4; plus strand). Cytogenetic location: 6q23.2.
Variant type: single nucleotide variant.
Coding change: c.1090C>T on transcript NM_004100.5 (MANE Select); coding-DNA position 1090, C replaced by T.
Protein change: p.Pro364Ser; replaces proline 364 with serine.
Molecular consequence: missense variant.
Genome position (GRCh38, 1-based): chr6:133,481,582, C>T. VCF-style: chr6-133481582-C-T. GRCh37 (hg19) VCF-style: chr6-133802720-C-T.
Other names: c.928C>T, p.Pro310Ser (NM_001301012.2); c.1108C>T, p.Pro370Ser (NM_001301013.2); c.1021C>T, p.Pro341Ser (NM_001370458.1, NM_172103.4); c.946C>T, p.Pro316Ser (NM_001370459.1); c.1090C>T, p.Pro364Ser (NM_172105.4); short protein forms P341S, P316S, P364S, P370S, P310S.
Identifiers: ClinVar variation 1789183 (VCV001789183.2), dbSNP rs1331156267, ClinGen allele CA365706548.